The following is an entry in ClinVar:

NM_000093.5(COL5A1):c.1303C>G (p.Pro435Ala)

Gene: COL5A1 (collagen type V alpha 1 chain; plus strand). Cytogenetic location: 9q34.3.
Variant type: single nucleotide variant.
Coding change: c.1303C>G on transcript NM_000093.5 (MANE Select); coding-DNA position 1303, C replaced by G.
Protein change: p.Pro435Ala; replaces proline 435 with alanine.
Molecular consequence: missense variant.
Genome position (GRCh38, 1-based): chr9:134,731,634, C>G. VCF-style: chr9-134731634-C-G. GRCh37 (hg19) VCF-style: chr9-137623480-C-G.
Other names: p.P435A:CCG>GCG; c.1303C>G, p.Pro435Ala (NM_001278074.1); short protein forms P435A.
Identifiers: ClinVar variation 213021 (VCV000213021.23), dbSNP rs377488010, ClinGen allele CA322829.

ClinVar aggregate classification (germline): Conflicting classifications of pathogenicity. Review status: criteria provided, conflicting classifications (1 of 4 stars). 7 submissions from 7 submitters: Uncertain significance (4); Benign (1); Likely benign (2). Last evaluated 2026-01-28.

Conditions:
Ehlers-Danlos syndrome, classic type, 1 (EDSCL1). Also called: Ehlers-Danlos Syndrome, Classic Type, COL5A1-Related; EHLERS-DANLOS SYNDROME, GRAVIS TYPE; EHLERS-DANLOS SYNDROME, SEVERE CLASSIC TYPE; Ehlers-Danlos syndrome, type 1; EDS I. Identifiers: MedGen C0268335, MONDO:0019567, OMIM 130000.
Ehlers-Danlos syndrome (EDS). Identifiers: Orphanet 98249, MedGen C0013720, MONDO:0020066.
Ehlers-Danlos syndrome, classic type (cEDS). Identifiers: Orphanet 287, MedGen C4225429, MONDO:0007522.
Familial thoracic aortic aneurysm and aortic dissection (TAAD). Also called: Thoracic aortic aneurysms and dissections. Identifiers: Orphanet 91387, MedGen C4707243, MONDO:0019625.
Abnormal bleeding. Also called: Bleeding diathesis. Identifiers: MedGen C1458140, HP:0001892.

Allele frequency attached by ClinVar (database versions not stated): gnomAD exomes 0.00006 and 0.00011; ExAC 0.00002; TOPMed 0.00006; gnomAD 0.00009; ESP Exome Variant Server 0.00023.
gnomAD v4.1: 168 of 1,613,810 alleles (0.01%); highest among the groups gnomAD compares: Non-Finnish European, 0.014%; no homozygotes.

Submissions (7):

Labcorp Genetics (formerly Invitae), Labcorp
Classification: Benign for Ehlers-Danlos syndrome, classic type, 1. Last evaluated: 2026-01-28. Review status: criteria provided, single submitter. Criteria: Invitae Variant Classification Sherloc (09022015). Collection method: clinical testing. Allele origin: germline.

Women's Health and Genetics/Laboratory Corporation of America, LabCorp
Classification: Likely benign. Last evaluated: 2025-10-03. Review status: criteria provided, single submitter. Criteria: LabCorp Variant Classification Summary - May 2015. Collection method: clinical testing. Allele origin: germline.
Comment: Variant summary: COL5A1 c.1303C>G (p.Pro435Ala) results in a non-conservative amino acid change in the encoded protein sequence. Algorithms developed to predict the effect of missense changes on protein structure and function all suggest that this variant is likely to be disruptive. The variant allele was found at a frequency of 5.6e-05 in 248628 control chromosomes, predominantly at a frequency of 0.00013 within the Non-Finnish European subpopulation in the gnomAD database. The observed variant frequency within Non-Finnish European control individuals in the gnomAD database exceeds the estimated maximal expected allele frequency for disease-causing variants in COL5A1. c.1303C>G has been observed in one individual affected with platelet function disorder (Downes_2019). These report(s) do not provide unequivocal conclusions about association of the variant with Ehlers-Danlos Syndrome. To our knowledge, no experimental evidence demonstrating an impact on protein function has been reported. The following publication has been ascertained in the context of this evaluation (PMID: 31064749). ClinVar contains an entry for this variant (Variation ID: 213021). Based on the evidence outlined above, the variant was classified as likely benign.

Ambry Genetics
Classification: Uncertain significance for Familial thoracic aortic aneurysm and aortic dissection. Last evaluated: 2024-05-02. Review status: criteria provided, single submitter. Criteria: Ambry Variant Classification Scheme 2023. Collection method: clinical testing. Allele origin: germline.
Comment: The p.P435A variant (also known as c.1303C>G), located in coding exon 8 of the COL5A1 gene, results from a C to G substitution at nucleotide position 1303. The proline at codon 435 is replaced by alanine, an amino acid with highly similar properties. This alteration has been reported in a fibromuscular dysplasia cohort (Richer J et al. Arterioscler Thromb Vasc Biol, 2020 11;40:2686-2699). This amino acid position is highly conserved in available vertebrate species. In addition, the in silico prediction for this alteration is inconclusive. Since supporting evidence is limited at this time, the clinical significance of this alteration remains unclear.

GeneDx
Classification: Uncertain significance. Last evaluated: 2024-04-16. Review status: criteria provided, single submitter. Criteria: GeneDx Variant Classification Process June 2021. Collection method: clinical testing. Allele origin: germline. Affected: yes.
Comment: In silico analysis supports that this missense variant has a deleterious effect on protein structure/function; Not located in the triple helical region, where the majority of pathogenic missense variants occur (PMID: 22696272; HGMD); Reported in an individual with a clinical diagnosis of Ehlers-Danlos syndrome, an individual with multifocal fibromuscular dysplasia (mFMD), and an individual who underwent screening for bleeding, thrombotic and/or platelet disorders (PMID: 31064749, 32938213; Dupuis et al., 2012); This variant is associated with the following publications: (PMID: 31064749, 32938213, 22696272)

ARUP Laboratories, Molecular Genetics and Genomics, ARUP Laboratories
Classification: Uncertain significance. Last evaluated: 2023-09-21. Review status: criteria provided, single submitter. Criteria: ARUP Molecular Germline Variant Investigation Process 2024. Collection method: clinical testing. Allele origin: germline.
Comment: The COL5A1 c.1303C>G; p.Pro435Ala variant (rs377488010) is reported in the literature in an individual affected with fibromuscular dysplasia (Georges 2022), and in an individual tested for bleeding, thrombotic, and/or platelet disorders (Downes 2019). This variant is reported in ClinVar (Variation ID: 213021), and is found in the non-Finnish European population with an allele frequency of 0.015% (20/126,666 alleles) in the Genome Aggregation Database. Computational analyses are uncertain whether this variant is neutral or deleterious (REVEL: 0.466). Due to limited information, the clinical significance of this variant is uncertain at this time. References: Downes K et al. Diagnostic high-throughput sequencing of 2396 patients with bleeding, thrombotic, and platelet disorders. Blood. 2019 Dec 5;134(23):2082-2091. PMID: 31064749. Georges A et al. The complex genetic basis of fibromuscular dysplasia, a systemic arteriopathy associated with multiple forms of cardiovascular disease. Clin Sci (Lond). 2022 Aug 31;136(16):1241-1255. PMID: 36043395.

Genome Diagnostics Laboratory, The Hospital for Sick Children
Classification: Likely benign for Ehlers-Danlos syndrome. Last evaluated: 2022-06-06. Review status: criteria provided, single submitter. Criteria: ACMG Guidelines, 2015. Collection method: clinical testing. Allele origin: germline.

NIHR Bioresource Rare Diseases, University of Cambridge
Classification: Uncertain significance for Abnormal bleeding. Last evaluated: 2019-02-01. Review status: criteria provided, single submitter. Criteria: ACMG Guidelines, 2015. Collection method: research. Allele origin: unknown. Affected: yes. Observed: 1 heterozygote. Study: ThromboGenomics.

Literature cited by the submitters: PubMed 31064749 (cited by Women's Health and Genetics/Laboratory Corporation of America, LabCorp and NIHR Bioresource Rare Diseases, University of Cambridge); PubMed 32938213 (cited by Ambry Genetics).